The following is an entry in ClinVar:

ClinVar aggregate classification (germline): Conflicting classifications of pathogenicity. Review status: criteria provided, conflicting classifications (1 of 4 stars). 2 submissions from 2 submitters: Likely pathogenic (1); Uncertain significance (1). Last evaluated 2025-09-04.

Conditions:
Juvenile polyposis syndrome (JPS). Identifiers: Orphanet 2929, MedGen C0345893, MONDO:0017380, OMIM 174900.
Hereditary cancer-predisposing syndrome. Also called: Tumor predisposition; Hereditary Cancer Syndrome; Hereditary neoplastic syndrome; Neoplastic Syndromes, Hereditary. Identifiers: Orphanet 140162, MedGen C0027672, MeSH D009386, MONDO:0015356.

Submissions (2):

Labcorp Genetics (formerly Invitae), Labcorp
Classification: Uncertain significance for Juvenile polyposis syndrome. Last evaluated: 2025-09-04. Review status: criteria provided, single submitter. Criteria: Invitae Variant Classification Sherloc (09022015). Collection method: clinical testing. Allele origin: germline.
Comment: This sequence change replaces cysteine, which is neutral and slightly polar, with tyrosine, which is neutral and polar, at codon 82 of the BMPR1A protein (p.Cys82Tyr). This variant is not present in population databases (gnomAD no frequency). This missense change has been observed in individual(s) with juvenile polyposis (PMID: 15235019). ClinVar contains an entry for this variant (Variation ID: 2136904). Invitae Evidence Modeling of protein sequence and biophysical properties (such as structural, functional, and spatial information, amino acid conservation, physicochemical variation, residue mobility, and thermodynamic stability) indicates that this missense variant is expected to disrupt BMPR1A protein function with a positive predictive value of 95%. Experimental studies have shown that this missense change affects BMPR1A function (PMID: 23433720). In summary, the available evidence is currently insufficient to determine the role of this variant in disease. Therefore, it has been classified as a Variant of Uncertain Significance.

Ambry Genetics
Classification: Likely pathogenic for Hereditary cancer-predisposing syndrome. Last evaluated: 2025-03-26. Review status: criteria provided, single submitter. Criteria: Ambry Variant Classification Scheme 2023. Collection method: clinical testing. Allele origin: germline.
Comment: The p.C82Y variant (also known as c.245G>A), located in coding exon 3 of the BMPR1A gene, results from a G to A substitution at nucleotide position 245. The cysteine at codon 82 is replaced by tyrosine, an amino acid with highly dissimilar properties. This variant was reported in individual(s) with features consistent with BMPR1A-related juvenile polyposis syndrome (Howe JR et al. J Med Genet, 2004 Jul;41:484-91). This missense alteration is located in a region that has a low rate of benign missense variation (Lek M et al. Nature. 2016 Aug 18;536(7616):285-91; DECIPHER: Database of Chromosomal Imbalance and Phenotype in Humans using Ensembl Resources. Firth H.V. et al. 2009. Am.J.Hum.Genet. 84, 524-533 (DOI)). This amino acid position is highly conserved in available vertebrate species. In addition, this alteration is predicted to be deleterious by in silico analysis. This variant is considered to be rare based on population cohorts in the Genome Aggregation Database (gnomAD). Based on the majority of available evidence to date, this variant is likely to be pathogenic.

Literature cited by the submitters: PubMed 15235019 (cited by Labcorp Genetics (formerly Invitae), Labcorp and Ambry Genetics); PubMed 23433720 (cited by Labcorp Genetics (formerly Invitae), Labcorp).

NM_004329.3(BMPR1A):c.245G>A (p.Cys82Tyr)

Gene: BMPR1A (bone morphogenetic protein receptor type 1A; plus strand). Cytogenetic location: 10q23.2.
Variant type: single nucleotide variant.
Coding change: c.245G>A on transcript NM_004329.3 (MANE Select); coding-DNA position 245, G replaced by A.
Protein change: p.Cys82Tyr; replaces cysteine 82 with tyrosine.
Molecular consequence: missense variant.
Genome position (GRCh38, 1-based): chr10:86,892,141, G>A. VCF-style: chr10-86892141-G-A. GRCh37 (hg19) VCF-style: chr10-88651898-G-A.
Other names: c.245G>A, p.Cys82Tyr (NM_001406559.1, NM_001406560.1, NM_001406561.1 and 23 more transcripts); c.161G>A, p.Cys54Tyr (NM_001406584.1, NM_001406585.1, NM_001406586.1 and 2 more transcripts); short protein forms C82Y, C54Y.
Identifiers: ClinVar variation 2136904 (VCV002136904.5), dbSNP rs1554888310, ClinGen allele CA377447949.